The following is an entry in ClinVar:

NM_206933.4(USH2A):c.6686G>A (p.Ser2229Asn)

Gene: USH2A (usherin; minus strand). Cytogenetic location: 1q41.
Variant type: single nucleotide variant.
Coding change: c.6686G>A on transcript NM_206933.4 (MANE Select); coding-DNA position 6686, G replaced by A.
Protein change: p.Ser2229Asn; replaces serine 2229 with asparagine.
Molecular consequence: missense variant.
Genome position (GRCh38, 1-based): chr1:215,993,139, C>T on the plus strand (G>A on the coding strand, the complement: USH2A is on the minus strand). VCF-style: chr1-215993139-C-T. GRCh37 (hg19) VCF-style: chr1-216166481-C-T.
Other names: short protein forms S2229N.
Identifiers: ClinVar variation 1904289 (VCV001904289.5), dbSNP rs1312719294, ClinGen allele CA344860531.
Genomic context (GRCh38, chr1:215,993,139, plus strand): 5'-GCTTTGGGGGCTGGCACGCCTTCGGGTATGTCCTCGTCAGTTAGGGCCTCACTGGCCTCA[C>T]TCACTGTGCACCCACCACCTGTGCAAGCCTAAACAGAGATGCAAAAATGCTCATTTCACT-3'
Protein context (NP_996816.3, residues 2219-2239): GACTGGGCTV[Ser2229Asn]EASEALTDED

ClinVar aggregate classification (germline): Uncertain significance (1 of 4 stars; one submission).

Allele frequency attached by ClinVar (database versions not stated): gnomAD 0.00001; TOPMed 0.00001.
gnomAD v4.1: 1 of 1,613,922 alleles (0.000062%); highest among the groups gnomAD compares: Non-Finnish European, 0.000085%; no homozygotes.

Submission:

Labcorp Genetics (formerly Invitae), Labcorp
Classification: Uncertain significance. Last evaluated: 2023-10-05. Review status: criteria provided, single submitter. Criteria: Invitae Variant Classification Sherloc (09022015). Collection method: clinical testing. Allele origin: germline.
Comment: This sequence change replaces serine, which is neutral and polar, with asparagine, which is neutral and polar, at codon 2229 of the USH2A protein (p.Ser2229Asn). This variant is not present in population databases (gnomAD no frequency). This variant has not been reported in the literature in individuals affected with USH2A-related conditions. ClinVar contains an entry for this variant (Variation ID: 1904289). Advanced modeling of protein sequence and biophysical properties (such as structural, functional, and spatial information, amino acid conservation, physicochemical variation, residue mobility, and thermodynamic stability) has been performed at Invitae for this missense variant, however the output from this modeling did not meet the statistical confidence thresholds required to predict the impact of this variant on USH2A protein function. In summary, the available evidence is currently insufficient to determine the role of this variant in disease. Therefore, it has been classified as a Variant of Uncertain Significance.